The following is an entry in ClinVar:

ClinVar aggregate classification (germline): Uncertain significance. Review status: criteria provided, multiple submitters, no conflicts (2 of 4 stars). 2 submissions from 2 submitters: Uncertain significance (2). Last evaluated 2025-12-28.

Conditions:
Cardiovascular phenotype. Identifiers: MedGen CN230736.

Allele frequency attached by ClinVar (database versions not stated): gnomAD 0.00001; TOPMed 0.00002.
gnomAD v4.1: 1 of 1,553,612 alleles (0.000064%); highest among the groups gnomAD compares: African/African-American, 0.0014%; no homozygotes.

Submissions (2):

Labcorp Genetics (formerly Invitae), Labcorp
Classification: Uncertain significance. Last evaluated: 2025-12-28. Review status: criteria provided, single submitter. Criteria: Invitae Variant Classification Sherloc (09022015). Collection method: clinical testing. Allele origin: germline.
Comment: This sequence change replaces phenylalanine, which is neutral and non-polar, with valine, which is neutral and non-polar, at codon 338 of the TBX20 protein (p.Phe338Val). This variant is not present in population databases (gnomAD no frequency). This variant has not been reported in the literature in individuals affected with TBX20-related conditions. ClinVar contains an entry for this variant (Variation ID: 1911936). Invitae Evidence Modeling of protein sequence and biophysical properties (such as structural, functional, and spatial information, amino acid conservation, physicochemical variation, residue mobility, and thermodynamic stability) indicates that this missense variant is not expected to disrupt TBX20 protein function with a negative predictive value of 80%. In summary, the available evidence is currently insufficient to determine the role of this variant in disease. Therefore, it has been classified as a Variant of Uncertain Significance.

Ambry Genetics
Classification: Uncertain significance for Cardiovascular phenotype. Last evaluated: 2024-12-14. Review status: criteria provided, single submitter. Criteria: Ambry Variant Classification Scheme 2023. Collection method: clinical testing. Allele origin: germline.
Comment: The p.F338V variant (also known as c.1012T>G), located in coding exon 8 of the TBX20 gene, results from a T to G substitution at nucleotide position 1012. The phenylalanine at codon 338 is replaced by valine, an amino acid with highly similar properties. This amino acid position is conserved. In addition, this alteration is predicted to be deleterious by in silico analysis. Based on the available evidence, the clinical significance of this variant remains unclear.

NM_001077653.2(TBX20):c.1012T>G (p.Phe338Val)

Gene: TBX20 (T-box transcription factor 20; minus strand). Cytogenetic location: 7p14.2.
Variant type: single nucleotide variant.
Coding change: c.1012T>G on transcript NM_001077653.2 (MANE Select); coding-DNA position 1012, T replaced by G.
Protein change: p.Phe338Val; replaces phenylalanine 338 with valine.
Molecular consequence: missense variant.
Genome position (GRCh38, 1-based): chr7:35,202,762, A>C on the plus strand (T>G on the coding strand, the complement: TBX20 is on the minus strand). VCF-style: chr7-35202762-A-C. GRCh37 (hg19) VCF-style: chr7-35242374-A-C.
Other names: short protein forms F338V.
Identifiers: ClinVar variation 1911936 (VCV001911936.7), dbSNP rs1410071356, ClinGen allele CA367263403.